The following is an entry in ClinVar:

ClinVar aggregate classification (germline): Likely benign (1 of 4 stars; one submission).

Allele frequency attached by ClinVar (database versions not stated): gnomAD exomes 0.00002; ExAC 0.00003.
gnomAD v4.1: 17 of 1,064,503 alleles (0.0016%); highest among the groups gnomAD compares: East Asian, 0.0071%; no homozygotes.

Submission:

CeGaT Center for Human Genetics Tuebingen
Classification: Likely benign. Last evaluated: 2023-01-01. Review status: criteria provided, single submitter. Criteria: CeGaT Center For Human Genetics Tuebingen Variant Classification Criteria Version 2. Collection method: clinical testing. Allele origin: germline. Affected: yes. Observed: 1 variant allele.
Comment: DACH2: BP4, BP7

NM_053281.3(DACH2):c.930T>C (p.Asn310=)

Gene: DACH2 (dachshund family transcription factor 2; plus strand). Cytogenetic location: Xq21.2.
Variant type: single nucleotide variant.
Coding change: c.930T>C on transcript NM_053281.3 (MANE Select); coding-DNA position 930, T replaced by C.
Protein change: p.Asn310=; no amino-acid change (asparagine 310 retained).
Molecular consequence: synonymous variant.
Genome position (GRCh38, 1-based): chrX:86,695,178, T>C. VCF-style: chrX-86695178-T-C. GRCh37 (hg19) VCF-style: chrX-85950181-T-C.
Other names: c.891T>C, p.Asn297= (NM_001139514.1); c.429T>C, p.Asn143= (NM_001139515.1).
Identifiers: ClinVar variation 2661009 (VCV002661009.24), dbSNP rs752773672, ClinGen allele CA10465886.